The following is an entry in ClinVar:

ClinVar aggregate classification (germline): Benign. Review status: criteria provided, multiple submitters, no conflicts (2 of 4 stars). 2 submissions from 2 submitters: Benign (2). Last evaluated 2018-01-13.

Conditions:
Ulnar-mammary syndrome (UMS). Also called: SCHINZEL SYNDROME; Ulnar-mammary syndrome of Pallister; PALLISTER ULNAR-MAMMARY SYNDROME. Identifiers: Orphanet 3138, MedGen C1866994, MONDO:0008411, OMIM 181450.

Allele frequency attached by ClinVar (database versions not stated): gnomAD exomes 0.00060; ExAC 0.00130; ESP Exome Variant Server 0.00239; gnomAD 0.00376 and 0.00401; 1000 Genomes Project 30x 0.00437; TOPMed 0.00441; 1000 Genomes Project 0.00479.
gnomAD v4.1: 1,026 of 1,550,168 alleles (0.066%); highest among the groups gnomAD compares: African/African-American, 1.2%; 7 homozygotes.

Submissions (2):

Illumina Laboratory Services, Illumina
Classification: Benign for Ulnar-mammary syndrome. Last evaluated: 2018-01-13. Review status: criteria provided, single submitter. Criteria: ICSL Variant Classification Criteria 13 December 2019. Collection method: clinical testing. Allele origin: germline.
Comment: This variant was observed in the ICSL laboratory as part of a predisposition screen in an ostensibly healthy population. It had not been previously curated by ICSL or reported in the Human Gene Mutation Database (HGMD: prior to June 1st, 2018), and was therefore a candidate for classification through an automated scoring system. Utilizing variant allele frequency, disease prevalence and penetrance estimates, and inheritance mode, an automated score was calculated to assess if this variant is too frequent to cause the disease. Based on the score and internal cut-off values, a variant classified as benign is not then subjected to further curation. The score for this variant resulted in a classification of benign for this disease.

Breakthrough Genomics
Classification: Benign. Review status: criteria provided, single submitter. Criteria: ACMG Guidelines, 2015. Collection method: not provided. Allele origin: germline. Inheritance: Autosomal dominant inheritance. Affected: yes.

NM_005996.4(TBX3):c.*25T>A

Gene: TBX3 (T-box transcription factor 3; minus strand). Cytogenetic location: 12q24.21.
Variant type: single nucleotide variant.
Coding change: c.*25T>A on transcript NM_005996.4 (MANE Select); 25 bases downstream of the stop codon, T replaced by A.
Molecular consequence: 3 prime UTR variant.
Genome position (GRCh38, 1-based): chr12:114,671,816, A>T on the plus strand (T>A on the coding strand, the complement: TBX3 is on the minus strand). VCF-style: chr12-114671816-A-T. GRCh37 (hg19) VCF-style: chr12-115109621-A-T.
Other names: c.*25T>A (NM_016569.4).
Identifiers: ClinVar variation 307349 (VCV000307349.6), dbSNP rs141350926, ClinGen allele CA6809762.
Genomic context (GRCh38, chr12:114,671,816, plus strand): 5'-GGCGGGCCCGTGGTTTATTTTATATCCGACAAAGTGCACGGCAGCCTGAACTGGACTGGA[A>T]TGAAAAGACGTGTCTGGGACGGGTCTACGGGGACGCGCTGCGGGACCTGTCCGGCTTGGC-3'